The following is an entry in ClinVar:

NM_152490.5(B3GALNT2):c.1208C>T (p.Pro403Leu)

Gene: B3GALNT2 (beta-1,3-N-acetylgalactosaminyltransferase 2; minus strand). Cytogenetic location: 1q42.3.
Variant type: single nucleotide variant.
Coding change: c.1208C>T on transcript NM_152490.5 (MANE Select); coding-DNA position 1208, C replaced by T.
Protein change: p.Pro403Leu; replaces proline 403 with leucine.
Molecular consequence: missense variant.
Genome position (GRCh38, 1-based): chr1:235,454,259, G>A on the plus strand (C>T on the coding strand, the complement: B3GALNT2 is on the minus strand). VCF-style: chr1-235454259-G-A. GRCh37 (hg19) VCF-style: chr1-235617571-G-A.
Other names: short protein forms P403L.
Identifiers: ClinVar variation 1038316 (VCV001038316.6), dbSNP rs369378819, ClinGen allele CA1464655.
Genomic context (GRCh38, chr1:235,454,259, plus strand): 5'-ACGATGTCCTTGGAGATCACATATCCTGACCCACATGCAAAGGCAGGGTAAGCGGGGCTC[G>A]GGTACTCCAACTCCTGCCACTTTCCGGTTCGGTCAACTGCCCAATTCAGTCTGAAACTGA-3'
Protein context (NP_689703.1, residues 393-413): RTGKWQELEY[Pro403Leu]SPAYPAFACG

ClinVar aggregate classification (germline): Uncertain significance. Review status: criteria provided, multiple submitters, no conflicts (2 of 4 stars). 2 submissions from 2 submitters: Uncertain significance (2). Last evaluated 2024-07-09.

Conditions:
Muscular dystrophy-dystroglycanopathy (congenital with brain and eye anomalies), type a, 11 (MDDGA11). Also called: WALKER-WARBURG SYNDROME OR MUSCLE-EYE-BRAIN DISEASE, B3GALNT2-RELATED; Congenital muscular dystrophy-dystroglycanopathy with brain and eye anomalies, type A11; Muscular dystrophy-dystroglycanopathy (congenital with brain and eye anomalies, type A, 11. Identifiers: Orphanet 588, Orphanet 899, MedGen C3554638, MONDO:0014071, OMIM 615181.

Allele frequency attached by ClinVar (database versions not stated): gnomAD 0.00001; ExAC 0.00005; gnomAD exomes 0.00002; TOPMed 0.00003; ESP Exome Variant Server 0.00015.
gnomAD v4.1: 41 of 1,612,862 alleles (0.0025%); highest among the groups gnomAD compares: Non-Finnish European, 0.0033%; no homozygotes.

Submissions (2):

Revvity Omics, Revvity
Classification: Uncertain significance for Muscular dystrophy-dystroglycanopathy (congenital with brain and eye anomalies), type a, 11. Last evaluated: 2024-07-09. Review status: criteria provided, single submitter. Criteria: ACMG Guidelines, 2015. Collection method: clinical testing. Allele origin: germline.

Labcorp Genetics (formerly Invitae), Labcorp
Classification: Uncertain significance for Muscular dystrophy-dystroglycanopathy (congenital with brain and eye anomalies), type a, 11. Last evaluated: 2023-05-08. Review status: criteria provided, single submitter. Criteria: Invitae Variant Classification Sherloc (09022015). Collection method: clinical testing. Allele origin: germline.
Comment: In summary, the available evidence is currently insufficient to determine the role of this variant in disease. Therefore, it has been classified as a Variant of Uncertain Significance. Advanced modeling of protein sequence and biophysical properties (such as structural, functional, and spatial information, amino acid conservation, physicochemical variation, residue mobility, and thermodynamic stability) performed at Invitae indicates that this missense variant is not expected to disrupt B3GALNT2 protein function. ClinVar contains an entry for this variant (Variation ID: 1038316). This variant has not been reported in the literature in individuals affected with B3GALNT2-related conditions. This variant is present in population databases (rs369378819, gnomAD 0.004%). This sequence change replaces proline, which is neutral and non-polar, with leucine, which is neutral and non-polar, at codon 403 of the B3GALNT2 protein (p.Pro403Leu).